The following is an entry in ClinVar:

ClinVar aggregate classification (germline): Uncertain significance. Review status: criteria provided, multiple submitters, no conflicts (2 of 4 stars). 2 submissions from 2 submitters: Uncertain significance (2). Last evaluated 2025-04-23.

Conditions:
Hereditary cancer-predisposing syndrome. Also called: Neoplastic Syndromes, Hereditary; Tumor predisposition; Hereditary neoplastic syndrome; Hereditary Cancer Syndrome. Identifiers: Orphanet 140162, MedGen C0027672, MeSH D009386, MONDO:0015356.
Tuberous sclerosis 2 (TSC2). Identifiers: Orphanet 805, MedGen C1860707, MONDO:0013199, OMIM 613254.

Allele frequency attached by ClinVar (database versions not stated): gnomAD exomes 0.00001; ExAC 0.00004.
gnomAD v4.1: 6 of 1,607,786 alleles (0.00037%); highest among the groups gnomAD compares: Admixed American, 0.0017%; no homozygotes.

Submissions (2):

Ambry Genetics
Classification: Uncertain significance for Hereditary cancer-predisposing syndrome. Last evaluated: 2025-04-23. Review status: criteria provided, single submitter. Criteria: Ambry Variant Classification Scheme 2023. Collection method: clinical testing. Allele origin: germline.
Comment: The c.1258-3C>T intronic variant results from a C to T substitution 3 nucleotides upstream from coding exon 12 in the TSC2 gene. This nucleotide position is well conserved in available vertebrate species. In silico splice site analysis predicts that this alteration may result in the creation or strengthening of a novel splice acceptor site. Based on the available evidence, the clinical significance of this variant remains unclear.

Labcorp Genetics (formerly Invitae), Labcorp
Classification: Uncertain significance for Tuberous sclerosis 2. Last evaluated: 2022-08-29. Review status: criteria provided, single submitter. Criteria: Invitae Variant Classification Sherloc (09022015). Collection method: clinical testing. Allele origin: germline.
Comment: In summary, the available evidence is currently insufficient to determine the role of this variant in disease. Therefore, it has been classified as a Variant of Uncertain Significance. Variants that disrupt the consensus splice site are a relatively common cause of aberrant splicing (PMID: 17576681, 9536098). Algorithms developed to predict the effect of sequence changes on RNA splicing suggest that this variant may create or strengthen a splice site. This variant has not been reported in the literature in individuals affected with TSC2-related conditions. This variant is present in population databases (rs45517161, gnomAD 0.003%). This sequence change falls in intron 12 of the TSC2 gene. It does not directly change the encoded amino acid sequence of the TSC2 protein. It affects a nucleotide within the consensus splice site.

Literature cited by the submitters: PubMed 17576681 (cited by Labcorp Genetics (formerly Invitae), Labcorp); PubMed 9536098 (cited by Labcorp Genetics (formerly Invitae), Labcorp).

NM_000548.5(TSC2):c.1258-3C>T

Gene: TSC2 (TSC complex subunit 2; plus strand). Cytogenetic location: 16p13.3.
Variant type: single nucleotide variant.
Coding change: c.1258-3C>T on transcript NM_000548.5 (MANE Select); 3 bases into the intron before coding-DNA position 1258, C replaced by T.
Molecular consequence: intron variant.
Genome position (GRCh38, 1-based): chr16:2,062,494, C>T. VCF-style: chr16-2062494-C-T. GRCh37 (hg19) VCF-style: chr16-2112495-C-T.
Other names: c.1258-3C>T (NM_000548.3, NM_001114382.3, NM_021055.3 and 4 more transcripts); c.1147-3C>T (NM_001318827.2); c.658-3C>T (NM_001318831.2); c.1111-3C>T (NM_001318829.2); c.1291-3C>T (NM_001318832.2).
Identifiers: ClinVar variation 2200826 (VCV002200826.5), dbSNP rs45517161, ClinGen allele CA029035.